The following is an entry in ClinVar:

NM_002476.2(MYL4):c.307C>T (p.Pro103Ser)

Gene: MYL4 (myosin light chain 4; plus strand). Cytogenetic location: 17q21.32.
Variant type: single nucleotide variant.
Coding change: c.307C>T on transcript NM_002476.2 (MANE Select); coding-DNA position 307, C replaced by T.
Protein change: p.Pro103Ser; replaces proline 103 with serine.
Molecular consequence: missense variant.
Genome position (GRCh38, 1-based): chr17:47,220,047, C>T. VCF-style: chr17-47220047-C-T. GRCh37 (hg19) VCF-style: chr17-45297413-C-T.
Other names: c.307C>T, p.Pro103Ser (NM_001002841.2); short protein forms P103S.
Identifiers: ClinVar variation 3689698 (VCV003689698.2).

ClinVar aggregate classification (germline): Uncertain significance (1 of 4 stars; one submission).

Conditions:
Atrial fibrillation, familial, 18 (ATFB18). Identifiers: MedGen C4310636, MONDO:0015001, OMIM 617280.

gnomAD v4.1: 1 of 1,612,706 alleles (0.000062%); highest among the groups gnomAD compares: African/African-American, 0.0013%; no homozygotes.

Submission:

Labcorp Genetics (formerly Invitae), Labcorp
Classification: Uncertain significance for Atrial fibrillation, familial, 18. Last evaluated: 2024-11-23. Review status: criteria provided, single submitter. Criteria: Invitae Variant Classification Sherloc (09022015). Collection method: clinical testing. Allele origin: germline.
Comment: This sequence change replaces proline, which is neutral and non-polar, with serine, which is neutral and polar, at codon 103 of the MYL4 protein (p.Pro103Ser). This variant is present in population databases (rs764678212, gnomAD 0.007%). This variant has not been reported in the literature in individuals affected with MYL4-related conditions. An algorithm developed to predict the effect of missense changes on protein structure and function (PolyPhen-2) suggests that this variant is likely to be tolerated. In summary, the available evidence is currently insufficient to determine the role of this variant in disease. Therefore, it has been classified as a Variant of Uncertain Significance.